The following is an entry in ClinVar:

ClinVar aggregate classification (germline): Uncertain significance. Review status: criteria provided, multiple submitters, no conflicts (2 of 4 stars). 2 submissions from 2 submitters: Uncertain significance (2). Last evaluated 2025-10-23.

Conditions:
Inborn genetic diseases. Identifiers: MedGen C0950123, MeSH D030342.

Allele frequency attached by ClinVar (database versions not stated): gnomAD exomes 0.00009; TOPMed 0.00003; ExAC 0.00002; gnomAD 0.00003; ESP Exome Variant Server 0.00008.
gnomAD v4.1: 130 of 1,613,614 alleles (0.0081%); highest among the groups gnomAD compares: Non-Finnish European, 0.011%; no homozygotes.

Submissions (2):

Ambry Genetics
Classification: Uncertain significance for Inborn genetic diseases. Last evaluated: 2025-10-23. Review status: criteria provided, single submitter. Criteria: Ambry Variant Classification Scheme 2023. Collection method: clinical testing. Allele origin: germline.

Labcorp Genetics (formerly Invitae), Labcorp
Classification: Uncertain significance. Last evaluated: 2022-07-25. Review status: criteria provided, single submitter. Criteria: Invitae Variant Classification Sherloc (09022015). Collection method: clinical testing. Allele origin: germline.
Comment: This sequence change replaces serine, which is neutral and polar, with cysteine, which is neutral and slightly polar, at codon 1873 of the PCLO protein (p.Ser1873Cys). This variant is present in population databases (rs201033040, gnomAD 0.007%). This variant has not been reported in the literature in individuals affected with PCLO-related conditions. Algorithms developed to predict the effect of missense changes on protein structure and function are either unavailable or do not agree on the potential impact of this missense change (SIFT: "Deleterious"; PolyPhen-2: "Not Available"; Align-GVGD: "Class C0"). In summary, the available evidence is currently insufficient to determine the role of this variant in disease. Therefore, it has been classified as a Variant of Uncertain Significance.

NM_033026.6(PCLO):c.5617A>T (p.Ser1873Cys)

Gene: PCLO (piccolo presynaptic cytomatrix protein; minus strand). Cytogenetic location: 7q21.11.
Variant type: single nucleotide variant.
Coding change: c.5617A>T on transcript NM_033026.6 (MANE Select); coding-DNA position 5617, A replaced by T.
Protein change: p.Ser1873Cys; replaces serine 1873 with cysteine.
Molecular consequence: missense variant.
Genome position (GRCh38, 1-based): chr7:82,955,336, T>A on the plus strand (A>T on the coding strand, the complement: PCLO is on the minus strand). VCF-style: chr7-82955336-T-A. GRCh37 (hg19) VCF-style: chr7-82584652-T-A.
Other names: c.5617A>T, p.Ser1873Cys (NM_014510.3); c.5617A>T (NM_033026.5); short protein forms S1873C.
Identifiers: ClinVar variation 2172079 (VCV002172079.2), dbSNP rs201033040, ClinGen allele CA4320616.